The following is an entry in ClinVar:

NM_014915.3(ANKRD26):c.4456G>T (p.Ala1486Ser)

Gene: ANKRD26 (ankyrin repeat domain containing 26; minus strand). Cytogenetic location: 10p12.1.
Variant type: single nucleotide variant.
Coding change: c.4456G>T on transcript NM_014915.3 (MANE Select); coding-DNA position 4456, G replaced by T.
Protein change: p.Ala1486Ser; replaces alanine 1486 with serine.
Molecular consequence: missense variant.
Genome position (GRCh38, 1-based): chr10:27,017,552, C>A on the plus strand (G>T on the coding strand, the complement: ANKRD26 is on the minus strand). VCF-style: chr10-27017552-C-A. GRCh37 (hg19) VCF-style: chr10-27306481-C-A.
Other names: c.4453G>T, p.Ala1485Ser (NM_001256053.2); short protein forms A1486S, A1485S.
Identifiers: ClinVar variation 3914742 (VCV003914742.1).

ClinVar aggregate classification (germline): Uncertain significance (1 of 4 stars; one submission).

Conditions:
Inborn genetic diseases. Identifiers: MedGen C0950123, MeSH D030342.

Submission:

Ambry Genetics
Classification: Uncertain significance for Inborn genetic diseases. Last evaluated: 2025-05-25. Review status: criteria provided, single submitter. Criteria: Ambry Variant Classification Scheme 2023. Collection method: clinical testing. Allele origin: germline.
Comment: The p.A1486S variant (also known as c.4456G>T), located in coding exon 30 of the ANKRD26 gene, results from a G to T substitution at nucleotide position 4456. The alanine at codon 1486 is replaced by serine, an amino acid with similar properties. This amino acid position is conserved. In addition, this alteration is predicted to be tolerated by in silico analysis. Based on the available evidence, the clinical significance of this variant remains unclear.